The following is an entry in ClinVar:

NM_032609.3(COX4I2):c.289C>G (p.Arg97Gly)

Gene: COX4I2 (cytochrome c oxidase subunit 4I2; plus strand). Cytogenetic location: 20q11.21.
Variant type: single nucleotide variant.
Coding change: c.289C>G on transcript NM_032609.3 (MANE Select); coding-DNA position 289, C replaced by G.
Protein change: p.Arg97Gly; replaces arginine 97 with glycine.
Molecular consequence: missense variant.
Genome position (GRCh38, 1-based): chr20:31,643,445, C>G. VCF-style: chr20-31643445-C-G. GRCh37 (hg19) VCF-style: chr20-30231248-C-G.
Other names: short protein forms R97G.
Identifiers: ClinVar variation 3076464 (VCV003076464.2), dbSNP rs747692883, ClinGen allele CA9801928.
Genomic context (GRCh38, chr20:31,643,445, plus strand): 5'-CACACCCAACTGCCTCCAGTGTACCGGCTCCAGTTCAATGAGACCTTTGCGGAGATGAAC[C>G]GTCGCTCCAATGAGTGGAAGACAGTGATGGGTTGTGTCTTCTTCTTCATTGGATTCGCAG-3'
Protein context (NP_115998.2, residues 87-107): QFNETFAEMN[Arg97Gly]RSNEWKTVMG

ClinVar aggregate classification (germline): Uncertain significance. Review status: criteria provided, multiple submitters, no conflicts (2 of 4 stars). 2 submissions from 2 submitters: Uncertain significance (2). Last evaluated 2025-11-21.

gnomAD v4.1: 23 of 1,614,064 alleles (0.0014%); highest among the groups gnomAD compares: African/African-American, 0.0093%; no homozygotes.

Submissions (2):

Labcorp Genetics (formerly Invitae), Labcorp
Classification: Uncertain significance. Last evaluated: 2025-11-21. Review status: criteria provided, single submitter. Criteria: Invitae Variant Classification Sherloc (09022015). Collection method: clinical testing. Allele origin: germline.
Comment: This sequence change replaces arginine, which is basic and polar, with glycine, which is neutral and non-polar, at codon 97 of the COX4I2 protein (p.Arg97Gly). This variant is present in population databases (rs747692883, gnomAD 0.008%). This variant has not been reported in the literature in individuals affected with COX4I2-related conditions. ClinVar contains an entry for this variant (Variation ID: 3076464). An algorithm developed to predict the effect of missense changes on protein structure and function (PolyPhen-2) suggests that this variant is likely to be disruptive. In summary, the available evidence is currently insufficient to determine the role of this variant in disease. Therefore, it has been classified as a Variant of Uncertain Significance.

Ambry Genetics
Classification: Uncertain significance. Last evaluated: 2024-03-12. Review status: criteria provided, single submitter. Criteria: Ambry Variant Classification Scheme 2023. Collection method: clinical testing. Allele origin: germline.